The following is an entry in ClinVar:

NM_005502.4(ABCA1):c.2235G>T (p.Leu745=)

Gene: ABCA1 (ATP binding cassette subfamily A member 1; minus strand). Cytogenetic location: 9q31.1.
Variant type: single nucleotide variant.
Coding change: c.2235G>T on transcript NM_005502.4 (MANE Select); coding-DNA position 2235, G replaced by T.
Protein change: p.Leu745=; no amino-acid change (leucine 745 retained).
Molecular consequence: synonymous variant.
Genome position (GRCh38, 1-based): chr9:104,827,050, C>A on the plus strand (G>T on the coding strand, the complement: ABCA1 is on the minus strand). VCF-style: chr9-104827050-C-A. GRCh37 (hg19) VCF-style: chr9-107589331-C-A.
Identifiers: ClinVar variation 914934 (VCV000914934.16), dbSNP rs374418354, ClinGen allele CA5168780.

ClinVar aggregate classification (germline): Conflicting classifications of pathogenicity. Review status: criteria provided, conflicting classifications (1 of 4 stars). 7 submissions from 6 submitters: Uncertain significance (1); Benign (1); Likely benign (5). Last evaluated 2026-03-23.

Conditions:
Cardiovascular phenotype. Identifiers: MedGen CN230736.
Tangier disease (TGD). Also called: Cholesterol thesaurismosis; HIGH DENSITY LIPOPROTEIN DEFICIENCY, TANGIER TYPE; HIGH DENSITY LIPOPROTEIN DEFICIENCY, TYPE 1. Identifiers: Orphanet 31150, MedGen C0039292, MONDO:0008783, OMIM 205400.
Hypoalphalipoproteinemia, primary, 1. Identifiers: Orphanet 425, MedGen C5231558, MONDO:0011393, OMIM 604091.
ABCA1-related disorder. Also called: ABCA1-related disorders; ABCA1-related condition. Identifiers: MedGen CN239173.

Allele frequency attached by ClinVar (database versions not stated): ExAC 0.00021; gnomAD exomes 0.00022 and 0.00023; ESP Exome Variant Server 0.00023; gnomAD 0.00025 and 0.00026; TOPMed 0.00026.
gnomAD v4.1: 360 of 1,614,212 alleles (0.022%); highest among the groups gnomAD compares: Admixed American, 0.067%; no homozygotes.

Submissions (7):

PreventionGenetics, part of Exact Sciences
Classification: Likely benign for ABCA1-related condition. Last evaluated: 2026-03-23. Review status: criteria provided, single submitter. Criteria: ACMG Guidelines, 2015. Collection method: clinical testing. Allele origin: germline.
Comment: This variant is classified as likely benign based on ACMG/AMP sequence variant interpretation guidelines (Richards et al. 2015 PMID: 25741868, with internal and published modifications).

Labcorp Genetics (formerly Invitae), Labcorp
Classification: Likely benign. Last evaluated: 2025-10-03. Review status: criteria provided, single submitter. Criteria: Invitae Variant Classification Sherloc (09022015). Collection method: clinical testing. Allele origin: germline.

Blueprint Genetics
Classification: Likely benign. Last evaluated: 2024-10-18. Review status: criteria provided, single submitter. Criteria: ACMG Guidelines, 2015. Collection method: clinical testing. Allele origin: germline.

Women's Health and Genetics/Laboratory Corporation of America, LabCorp
Classification: Likely benign. Last evaluated: 2023-08-01. Review status: criteria provided, single submitter. Criteria: LabCorp Variant Classification Summary - May 2015. Collection method: clinical testing. Allele origin: germline.

Ambry Genetics
Classification: Likely benign for Cardiovascular phenotype. Last evaluated: 2022-03-04. Review status: criteria provided, single submitter. Criteria: Ambry Variant Classification Scheme 2023. Collection method: clinical testing. Allele origin: germline.

Illumina Laboratory Services, Illumina
Classification: Uncertain significance for Tangier disease. Last evaluated: 2018-01-13. Review status: criteria provided, single submitter. Criteria: ICSL Variant Classification Criteria 13 December 2019. Collection method: clinical testing. Allele origin: germline.

Illumina Laboratory Services, Illumina
Classification: Benign for Hypoalphalipoproteinemia, primary, 1. Last evaluated: 2018-01-13. Review status: criteria provided, single submitter. Criteria: ICSL Variant Classification Criteria 13 December 2019. Collection method: clinical testing. Allele origin: germline.
Comment: This variant was observed in the ICSL laboratory as part of a predisposition screen in an ostensibly healthy population. It had not been previously curated by ICSL or reported in the Human Gene Mutation Database (HGMD: prior to June 1st, 2018), and was therefore a candidate for classification through an automated scoring system. Utilizing variant allele frequency, disease prevalence and penetrance estimates, and inheritance mode, an automated score was calculated to assess if this variant is too frequent to cause the disease. Based on the score and internal cut-off values, a variant classified as benign is not then subjected to further curation. The score for this variant resulted in a classification of benign for this disease.